The following is an entry in ClinVar:

NM_006204.4(PDE6C):c.1577T>A (p.Ile526Lys)

Gene: PDE6C (phosphodiesterase 6C; plus strand). Cytogenetic location: 10q23.33.
Variant type: single nucleotide variant.
Coding change: c.1577T>A on transcript NM_006204.4 (MANE Select); coding-DNA position 1577, T replaced by A.
Protein change: p.Ile526Lys; replaces isoleucine 526 with lysine.
Molecular consequence: missense variant.
Genome position (GRCh38, 1-based): chr10:93,640,164, T>A. VCF-style: chr10-93640164-T-A. GRCh37 (hg19) VCF-style: chr10-95399921-T-A.
Other names: short protein forms I526K.
Identifiers: ClinVar variation 2117102 (VCV002117102.4), dbSNP rs1374353987, ClinGen allele CA377617934.

ClinVar aggregate classification (germline): Uncertain significance (1 of 4 stars; one submission).

Allele frequency attached by ClinVar (database versions not stated): TOPMed 0.00003; gnomAD 0.00005.
gnomAD v4.1: 8 of 1,613,484 alleles (0.0005%); highest among the groups gnomAD compares: Admixed American, 0.013%; no homozygotes.

Submission:

Labcorp Genetics (formerly Invitae), Labcorp
Classification: Uncertain significance. Last evaluated: 2022-08-09. Review status: criteria provided, single submitter. Criteria: Invitae Variant Classification Sherloc (09022015). Collection method: clinical testing. Allele origin: germline.
Comment: In summary, the available evidence is currently insufficient to determine the role of this variant in disease. Therefore, it has been classified as a Variant of Uncertain Significance. Algorithms developed to predict the effect of missense changes on protein structure and function (SIFT, PolyPhen-2, Align-GVGD) all suggest that this variant is likely to be disruptive. This variant has not been reported in the literature in individuals affected with PDE6C-related conditions. This variant is present in population databases (no rsID available, gnomAD 0.003%). This sequence change replaces isoleucine, which is neutral and non-polar, with lysine, which is basic and polar, at codon 526 of the PDE6C protein (p.Ile526Lys).